The following is an entry in ClinVar:

ClinVar aggregate classification (germline): Uncertain significance (1 of 4 stars; one submission).

Submission:

GeneDx
Classification: Uncertain significance. Last evaluated: 2025-05-15. Review status: criteria provided, single submitter. Criteria: GeneDx Variant Classification Process June 2021. Collection method: clinical testing. Allele origin: germline. Affected: yes.
Comment: Not observed at significant frequency in large population cohorts (gnomAD); In silico analysis supports that this missense variant has a deleterious effect on protein structure/function; Has not been previously published as pathogenic or benign to our knowledge

NM_000217.3(KCNA1):c.652A>G (p.Thr218Ala)

Gene: KCNA1 (potassium voltage-gated channel subfamily A member 1; plus strand). Cytogenetic location: 12p13.32.
Variant type: single nucleotide variant.
Coding change: c.652A>G on transcript NM_000217.3 (MANE Select); coding-DNA position 652, A replaced by G.
Protein change: p.Thr218Ala; replaces threonine 218 with alanine.
Molecular consequence: missense variant.
Genome position (GRCh38, 1-based): chr12:4,912,030, A>G. VCF-style: chr12-4912030-A-G. GRCh37 (hg19) VCF-style: chr12-5021196-A-G.
Other names: short protein forms T218A.
Identifiers: ClinVar variation 4529630 (VCV004529630.1).